The following is an entry in ClinVar:

NM_182961.4(SYNE1):c.4670T>G (p.Phe1557Cys)

Gene: SYNE1 (spectrin repeat containing nuclear envelope protein 1; minus strand). Cytogenetic location: 6q25.2.
Variant type: single nucleotide variant.
Coding change: c.4670T>G on transcript NM_182961.4 (MANE Select); coding-DNA position 4670, T replaced by G.
Protein change: p.Phe1557Cys; replaces phenylalanine 1557 with cysteine.
Molecular consequence: missense variant.
Genome position (GRCh38, 1-based): chr6:152,430,501, A>C on the plus strand (T>G on the coding strand, the complement: SYNE1 is on the minus strand). VCF-style: chr6-152430501-A-C. GRCh37 (hg19) VCF-style: chr6-152751636-A-C.
Other names: c.4670T>G (NM_182961.2); c.4691T>G, p.Phe1564Cys (NM_033071.5); short protein forms F1564C, F1557C.
Identifiers: ClinVar variation 956567 (VCV000956567.10), dbSNP rs373642960, ClinGen allele CA4058504.
Genomic context (GRCh38, chr6:152,430,501, plus strand): 5'-GTGAAATATGTAAACTTAAGTATAGGTGGATCAATTCTTACCTTTCTAAGGTTCTCTTCA[A>C]ACTTTTGCTGCTGAGATAAATGTCCCAGGATTGTTCCTTCCAGACACTGTGCATGCTCTC-3'
Protein context (NP_892006.3, residues 1547-1567): ILGHLSQQQK[Phe1557Cys]EENLRKIQQS

ClinVar aggregate classification (germline): Uncertain significance. Review status: criteria provided, multiple submitters, no conflicts (2 of 4 stars). 2 submissions from 2 submitters: Uncertain significance (2). Last evaluated 2023-07-11.

Conditions:
Autosomal recessive ataxia, Beauce type. Also called: Spinocerebellar ataxia, autosomal recessive 8; ATAXIA, RECESSIVE, OF BEAUCE; SYNE1-Related Autosomal Recessive Cerebellar Ataxia; SYNE1 Deficiency. Identifiers: Orphanet 88644, MedGen C1853116, MONDO:0012549, OMIM 610743.
Emery-Dreifuss muscular dystrophy 4, autosomal dominant (EDMD4). Also called: EMERY-DREIFUSS MUSCULAR DYSTROPHY 4 WITH VARIABLE FEATURES. Identifiers: Orphanet 261, MedGen C2751807, MONDO:0013071, OMIM 612998.

Allele frequency attached by ClinVar (database versions not stated): gnomAD 0.00003; ESP Exome Variant Server 0.00008; gnomAD exomes below 0.00001 and 0.00001; ExAC 0.00001; TOPMed 0.00002.
gnomAD v4.1: 5 of 1,613,900 alleles (0.00031%); highest among the groups gnomAD compares: African/African-American, 0.0067%; no homozygotes.

Submissions (2):

Athena Diagnostics
Classification: Uncertain significance. Last evaluated: 2023-07-11. Review status: criteria provided, single submitter. Criteria: Athena Diagnostics Criteria. Collection method: clinical testing. Allele origin: unknown.
Comment: Available data are insufficient to determine the clinical significance of the variant at this time. The frequency of this variant in the general population is uninformative in assessment of its pathogenicity. Computational tools predict that this variant is not damaging.

Labcorp Genetics (formerly Invitae), Labcorp
Classification: Uncertain significance for Emery-Dreifuss muscular dystrophy 4, autosomal dominant; Autosomal recessive ataxia, Beauce type. Last evaluated: 2019-11-14. Review status: criteria provided, single submitter. Criteria: Invitae Variant Classification Sherloc (09022015). Collection method: clinical testing. Allele origin: germline.
Comment: This sequence change replaces phenylalanine with cysteine at codon 1564 of the SYNE1 protein (p.Phe1564Cys). The phenylalanine residue is highly conserved and there is a large physicochemical difference between phenylalanine and cysteine. This variant is present in population databases (rs373642960, ExAC 0.01%). This variant has not been reported in the literature in individuals with SYNE1-related conditions. Algorithms developed to predict the effect of missense changes on protein structure and function are either unavailable or do not agree on the potential impact of this missense change (SIFT: "Deleterious"; PolyPhen-2: "Benign"; Align-GVGD: "Class C0"). In summary, the available evidence is currently insufficient to determine the role of this variant in disease. Therefore, it has been classified as a Variant of Uncertain Significance.